The following is an entry in ClinVar:

NM_012250.6(RRAS2):c.68G>A (p.Gly23Asp)

Genes: RRAS2 (RAS related 2; minus strand), LOC130005368 (ATAC-STARR-seq lymphoblastoid silent region 3172; plus strand). Cytogenetic location: 11p15.2.
Variant type: single nucleotide variant.
Coding change: c.68G>A on transcript NM_012250.6 (MANE Select); coding-DNA position 68, G replaced by A.
Protein change: p.Gly23Asp; replaces glycine 23 with aspartic acid.
Molecular consequence: missense variant. On other transcripts: intron variant (1).
Genome position (GRCh38, 1-based): chr11:14,358,803, C>T on the plus strand (G>A on the coding strand, the complement: RRAS2 is on the minus strand). VCF-style: chr11-14358803-C-T. GRCh37 (hg19) VCF-style: chr11-14380349-C-T.
Other names: c.3+5588G>A (NM_001177314.2); short protein forms G23D.
Identifiers: ClinVar variation 1699117 (VCV001699117.35), dbSNP rs1591495779, ClinGen allele CA379862797.

ClinVar aggregate classification (germline): Pathogenic. Review status: criteria provided, multiple submitters, no conflicts (2 of 4 stars). 4 submissions from 4 submitters: Pathogenic (4). Last evaluated 2023-10-05.
ClinVar aggregate classification (somatic clinical impact): Tier I - Strong (1 of 4 stars; one submission).

Conditions:
Noonan syndrome 12. Identifiers: MedGen C5231432, MONDO:0032839, OMIM 618624.
Central nervous system germ cell tumor. Identifiers: MedGen C1332880, MONDO:0003000.

Submissions (5):

Institute for Genomic Medicine (IGM) Clinical Laboratory, Nationwide Children's Hospital
Classification: Tier I - Strong for Central nervous system germ cell tumor. Assertion type: diagnostic. Clinical significance: supports diagnosis. Last evaluated: 2025-03-06. Review status: criteria provided, single submitter. Criteria: AMP/ASCO/CAP Guidelines, 2017. Collection method: clinical testing. Allele origin: somatic. Affected: yes.
Comment: Variant has Tier I (strong) clinical significance as a diagnostic inclusion criterion in central nervous system germ cell tumor, based on the following evidence: 1) Documented in one or more cancer databases (e.g., St. Jude Pecan, COSMIC, CIViC, OncoKB). 2) Appears in one or more well-established professional guidelines (e.g., World Health Organization [WHO]; National Comprehensive Cancer Network [NCCN]) as providing diagnostic, prognostic, or therapeutic information. 3) Diagnostic for a specific tumor type/classification based on well-powered studies with expert-level consensus (Evidence Level B; PMIDs: 26956871, 27391150, 32721511, 27905446, 36457486).

Labcorp Genetics (formerly Invitae), Labcorp
Classification: Pathogenic. Last evaluated: 2023-10-05. Review status: criteria provided, single submitter. Criteria: Invitae Variant Classification Sherloc (09022015). Collection method: clinical testing. Allele origin: germline.
Comment: This sequence change replaces glycine, which is neutral and non-polar, with aspartic acid, which is acidic and polar, at codon 23 of the RRAS2 protein (p.Gly23Asp). This variant is not present in population databases (gnomAD no frequency). This missense change has been observed in individual(s) with Noonan syndrome (PMID: 35599849). In at least one individual the variant was observed to be de novo. ClinVar contains an entry for this variant (Variation ID: 1699117). An algorithm developed to predict the effect of missense changes on protein structure and function (PolyPhen-2) suggests that this variant is likely to be disruptive. This variant disrupts the p.Gly23 amino acid residue in RRAS2. Other variant(s) that disrupt this residue have been determined to be pathogenic (PMID: 31130282). This suggests that this residue is clinically significant, and that variants that disrupt this residue are likely to be disease-causing. For these reasons, this variant has been classified as Pathogenic.

CeGaT Center for Human Genetics Tuebingen
Classification: Pathogenic. Last evaluated: 2023-06-01. Review status: criteria provided, single submitter. Criteria: CeGaT Center For Human Genetics Tuebingen Variant Classification Criteria Version 2. Collection method: clinical testing. Allele origin: germline. Affected: yes. Observed: 1 variant allele.
Comment: RRAS2: PS2, PM2, PM5, PP3, PS4:Supporting

GeneDx
Classification: Pathogenic. Last evaluated: 2022-11-29. Review status: criteria provided, single submitter. Criteria: GeneDx Variant Classification Process June 2021. Collection method: clinical testing. Allele origin: germline. Affected: yes.
Comment: Not observed at significant frequency in large population cohorts (gnomAD); In silico analysis supports that this missense variant has a deleterious effect on protein structure/function; This variant is associated with the following publications: (PMID: 35599849)

Victorian Clinical Genetics Services, Murdoch Childrens Research Institute
Classification: Pathogenic for Noonan syndrome 12. Last evaluated: 2022-09-02. Review status: criteria provided, single submitter. Criteria: ACMG Guidelines, 2015. Collection method: clinical testing. Allele origin: germline. Inheritance: Autosomal dominant inheritance. Affected: yes.
Comment: Based on the classification scheme VCGS_Germline_v1.3.4, this variant is classified as Pathogenic. Following criteria are met: 0101 - Gain of function is a known mechanism of disease in this gene and is associated with Noonan syndrome 12 (MIM#618624) (PMIDs: 31130282, 31130285). (I) 0107 - This gene is associated with autosomal dominant disease. (I) 0200 - Variant is predicted to result in a missense amino acid change from glycine to aspartic acid. (I) 0251 - This variant is heterozygous. (I) 0301 - Variant is absent from gnomAD (both v2 and v3). (SP) 0502 - Missense variant with conflicting in silico predictions and high conservation. (I) 0603 - Missense variant in a region that is highly intolerant to missense variation (high constraint region in DECIPHER). (SP) 0703 - Other missense variants comparable to the one identified in this case have moderate previous evidence for pathogenicity. p.(Gly23Val) and p.(Gly23Ser) have been reported as de novo in individuals with Noonan syndrome or global developmental delay (PMID: 31130282, DECIPIHER). p.(Gly23Cys) has been reported as pathogenic in germline context once by a clinical laboratory, however no further information is available (ClinVar). (SP) 0807 - This variant has no previous evidence of pathogenicity in the germline context. (I) 0905 - No published segregation evidence has been identified for this variant. (I) 1007 - No published functional evidence has been identified for this variant. (SP) Legend: (SP) - Supporting pathogenic, (I) - Information, (SB) - Supporting benign

Literature cited by the submitters: PubMed 26956871 (cited by Institute for Genomic Medicine (IGM) Clinical Laboratory, Nationwide Children's Hospital); PubMed 27391150 (cited by Institute for Genomic Medicine (IGM) Clinical Laboratory, Nationwide Children's Hospital); PubMed 32721511 (cited by Institute for Genomic Medicine (IGM) Clinical Laboratory, Nationwide Children's Hospital); PubMed 27905446 (cited by Institute for Genomic Medicine (IGM) Clinical Laboratory, Nationwide Children's Hospital); PubMed 36457486 (cited by Institute for Genomic Medicine (IGM) Clinical Laboratory, Nationwide Children's Hospital); PubMed 35599849 (cited by Labcorp Genetics (formerly Invitae), Labcorp); PubMed 31130282 (cited by Labcorp Genetics (formerly Invitae), Labcorp and Victorian Clinical Genetics Services, Murdoch Childrens Research Institute); PubMed 31130285 (cited by Victorian Clinical Genetics Services, Murdoch Childrens Research Institute).